The following is an entry in ClinVar:

ClinVar aggregate classification (germline): Uncertain significance (1 of 4 stars; one submission).

Conditions:
Hereditary cancer-predisposing syndrome. Also called: Neoplastic Syndromes, Hereditary; Hereditary neoplastic syndrome; Tumor predisposition; Hereditary Cancer Syndrome. Identifiers: Orphanet 140162, MedGen C0027672, MeSH D009386, MONDO:0015356.

Submission:

Ambry Genetics
Classification: Uncertain significance for Hereditary cancer-predisposing syndrome. Last evaluated: 2022-12-30. Review status: criteria provided, single submitter. Criteria: Ambry Variant Classification Scheme 2023. Collection method: clinical testing. Allele origin: germline.
Comment: The p.I65V variant (also known as c.193A>G), located in coding exon 1 of the PTCH1 gene, results from an A to G substitution at nucleotide position 193. The isoleucine at codon 65 is replaced by valine, an amino acid with highly similar properties. This amino acid position is highly conserved in available vertebrate species. In addition, the in silico prediction for this alteration is inconclusive. Since supporting evidence is limited at this time, the clinical significance of this alteration remains unclear.

NM_000264.5(PTCH1):c.193A>G (p.Ile65Val)

Gene: PTCH1 (patched 1; minus strand). Cytogenetic location: 9q22.32.
Variant type: single nucleotide variant.
Coding change: c.193A>G on transcript NM_000264.5 (MANE Select); coding-DNA position 193, A replaced by G.
Protein change: p.Ile65Val; replaces isoleucine 65 with valine.
Molecular consequence: missense variant. On other transcripts: non-coding transcript variant (1), intron variant (3).
Genome position (GRCh38, 1-based): chr9:95,508,169, T>C on the plus strand (A>G on the coding strand, the complement: PTCH1 is on the minus strand). VCF-style: chr9-95508169-T-C. GRCh37 (hg19) VCF-style: chr9-98270451-T-C.
Other names: c.193A>G, p.Ile65Val (NM_001354918.2); c.199-1570A>G (NM_001083603.3); c.4-1570A>G (NM_001083602.3, NM_001354919.2); short protein forms I65V.
Identifiers: ClinVar variation 2497337 (VCV002497337.2), dbSNP rs2538402655, ClinGen allele CA374121254.
Genomic context (GRCh38, chr9:95,508,169, plus strand): 5'-CAAAGAGTTAGAGGAGGGAAGAGAAAGTGGGAGGAGAGAGTCTGAAATGCACCTTGGAAA[T>C]CTGCTCCAGAGCGAAGGCGGCGTCGCAGTAGCTGGGCCGGTGCAGATAGTCCCGGTCCGG-3'
Protein context (NP_000255.2, residues 55-75): YCDAAFALEQ[Ile65Val]SKGKATGRKA